The following is an entry in ClinVar:

NM_000288.4(PEX7):c.803+4C>G

Gene: PEX7 (peroxisomal biogenesis factor 7; plus strand). Cytogenetic location: 6q23.3.
Variant type: single nucleotide variant.
Coding change: c.803+4C>G on transcript NM_000288.4 (MANE Select); 4 bases into the intron after coding-DNA position 803, C replaced by G.
Molecular consequence: intron variant.
Genome position (GRCh38, 1-based): chr6:136,872,257, C>G. VCF-style: chr6-136872257-C-G. GRCh37 (hg19) VCF-style: chr6-137193395-C-G.
Identifiers: ClinVar variation 1163858 (VCV001163858.9), dbSNP rs759745913, ClinGen allele CA4017762.
Genomic context (GRCh38, chr6:136,872,257, plus strand): 5'-GTTTTCACCATTTCATGCTTCTGTGCTGGCCTCTTGCTCGTATGATTTTACTGTAAGGTA[C>G]AGTGGTTTTTAATACATTTCATTGTGAAATACCAGGTAACATTTGCATCTTTGCAACTTT-3'

ClinVar aggregate classification (germline): Uncertain significance. Review status: criteria provided, multiple submitters, no conflicts (2 of 4 stars). 4 submissions from 4 submitters: Uncertain significance (3). 1 of the submissions does not count toward it. Last evaluated 2022-07-19.

Conditions:
Retinal dystrophy. Also called: Inherited retinal dystrophy. Identifiers: Orphanet 71862, MedGen C0854723, MeSH D058499, MONDO:0019118, HP:0000556.
Rhizomelic chondrodysplasia punctata type 1 (RCDP1). Also called: CHONDRODYSTROPHIA CALCIFICANS PUNCTATA; PEROXISOME BIOGENESIS DISORDER 9; PEX7-Related Rhizomelic Chondrodysplasia Punctata. Identifiers: Orphanet 177, Orphanet 309789, MedGen C1859133, MONDO:0008972, OMIM 215100. Disease mechanism: loss of function.
Refsum disease, classic. Also called: PHYH-Related Refsum Disease; HEREDOPATHIA ATACTICA POLYNEURITIFORMIS; HMSN IV; PHYTANIC ACID OXIDASE DEFICIENCY. Identifiers: Orphanet 773, MedGen C5780941, MONDO:1060256, OMIM 266500. Disease mechanism: loss of function.
Peroxisome biogenesis disorder 9B. Also called: PEX7-Related Refsum Disease; Refsum disease, adult, 2; PEROXISOME BIOGENESIS DISORDER, PEX7-RELATED, ATYPICAL. Identifiers: Orphanet 773, MedGen C2749346, MONDO:0013945, OMIM 614879.

Allele frequency attached by ClinVar (database versions not stated): gnomAD exomes 0.00001 and 0.00002; gnomAD 0.00001; ExAC 0.00004.
gnomAD v4.1: 12 of 1,606,280 alleles (0.00075%); highest among the groups gnomAD compares: Middle Eastern, 0.033%; no homozygotes.

Submissions (4):

Labcorp Genetics (formerly Invitae), Labcorp
Classification: Uncertain significance for Peroxisome biogenesis disorder 9B. Last evaluated: 2022-07-19. Review status: criteria provided, single submitter. Criteria: Invitae Variant Classification Sherloc (09022015). Collection method: clinical testing. Allele origin: germline.
Comment: This sequence change falls in intron 8 of the PEX7 gene. It does not directly change the encoded amino acid sequence of the PEX7 protein. It affects a nucleotide within the consensus splice site. This variant is present in population databases (rs759745913, gnomAD 0.006%). This variant has not been reported in the literature in individuals affected with PEX7-related conditions. ClinVar contains an entry for this variant (Variation ID: 1163858). Variants that disrupt the consensus splice site are a relatively common cause of aberrant splicing (PMID: 17576681, 9536098). Algorithms developed to predict the effect of sequence changes on RNA splicing suggest that this variant may disrupt the consensus splice site. In summary, the available evidence is currently insufficient to determine the role of this variant in disease. Therefore, it has been classified as a Variant of Uncertain Significance.

Fulgent Genetics
Classification: Uncertain significance for Rhizomelic chondrodysplasia punctata type 1; Refsum disease, classic; Peroxisome biogenesis disorder 9B. Last evaluated: 2021-09-01. Review status: criteria provided, single submitter. Criteria: ACMG Guidelines, 2015. Collection method: clinical testing. Allele origin: unknown.

Mayo Clinic Laboratories, Mayo Clinic
Classification: Uncertain significance. Last evaluated: 2020-10-23. Review status: criteria provided, single submitter. Criteria: ACMG Guidelines, 2015. Collection method: clinical testing. Allele origin: germline. Observed: 1 variant allele.

Institute of Human Genetics, Univ. Regensburg, Univ. Regensburg
Classification: Uncertain significance for Retinal dystrophy. Last evaluated: 2023-01-01. Review status: no assertion criteria provided. Criteria: ACMG Guidelines, 2015. Collection method: clinical testing. Allele origin: germline. Affected: yes. Not counted in ClinVar's aggregate classification.

Literature cited by the submitters: PubMed 17576681 (cited by Labcorp Genetics (formerly Invitae), Labcorp); PubMed 9536098 (cited by Labcorp Genetics (formerly Invitae), Labcorp).